The following is an entry in ClinVar:

ClinVar aggregate classification (germline): Uncertain significance. Review status: reviewed by expert panel (3 of 4 stars). 3 submissions from 3 submitters: Uncertain significance (1). 2 of the submissions do not count toward it. Last evaluated 2024-02-21.

Conditions:
Severe combined immunodeficiency, autosomal recessive, T cell-negative, B cell-negative, NK cell-negative, due to adenosine deaminase deficiency. Also called: ADA deficiency; Adenosine deaminase deficient severe combined immunodeficiency; Severe combined immunodeficiency due to ADA deficiency; Adenosine Deaminase Deficiency; SCID DUE TO ADA DEFICIENCY; SCID DUE TO ADA DEFICIENCY, EARLY-ONSET. Identifiers: Orphanet 277, MedGen C0392607, MONDO:0007064, OMIM 102700.

Allele frequency attached by ClinVar (database versions not stated): gnomAD exomes below 0.00001 and 0.00001; ExAC 0.00001; gnomAD 0.00001; TOPMed 0.00001.
gnomAD v4.1: 2 of 1,614,076 alleles (0.00012%); highest among the groups gnomAD compares: East Asian, 0.0045%; no homozygotes.

Submissions (3):

ClinGen Severe Combined Immunodeficiency Variant Curation Expert Panel, ClinGen
Classification: Uncertain significance for Severe combined immunodeficiency, autosomal recessive, T cell-negative, B cell-negative, NK cell-negative, due to adenosine deaminase deficiency. Last evaluated: 2024-02-21. Review status: reviewed by expert panel. Criteria: ClinGen SCID ACMG Specifications ADA V1.0.0. Collection method: curation. Allele origin: germline.
Comment: The c.984T>A (NM_000022.4) variant in ADA is a missense variant predicted to cause substitution of Asparagine by Lysine at amino acid 328 (p.Asn328Lys). The highest population minor allele frequency in gnomAD v4 is 0.00004847 (2/41266) in the East Asian population, which is lower than the ClinGen SCID VCEP threshold (<0.0001742) for PM2_Supporting, and therefore meets this criterion (PM2_Supporting). No homozygotes have been observed in gnomAD. To our knowledge, this variant has not been reported in the literature in individuals affected with ADA-related conditions or in functional studies. Due to insufficient evidence, this variant is classified as a variant of uncertain significance for autosomal recessive SCID based on ACMG/AMP criteria applied, as specified by the ClinGen SCID VCEP (specification version 1.0): PM2_Supporting.

Labcorp Genetics (formerly Invitae), Labcorp
Classification: Uncertain significance for Severe combined immunodeficiency, autosomal recessive, T cell-negative, B cell-negative, NK cell-negative, due to adenosine deaminase deficiency. Last evaluated: 2025-08-02. Review status: criteria provided, single submitter. Criteria: Invitae Variant Classification Sherloc (09022015). Collection method: clinical testing. Allele origin: germline. Not counted in ClinVar's aggregate classification.
Comment: This sequence change replaces asparagine, which is neutral and polar, with lysine, which is basic and polar, at codon 328 of the ADA protein (p.Asn328Lys). This variant is present in population databases (rs756329749, gnomAD 0.02%). This variant has not been reported in the literature in individuals affected with ADA-related conditions. ClinVar contains an entry for this variant (Variation ID: 1678200). Invitae Evidence Modeling of protein sequence and biophysical properties (such as structural, functional, and spatial information, amino acid conservation, physicochemical variation, residue mobility, and thermodynamic stability) indicates that this missense variant is not expected to disrupt ADA protein function with a negative predictive value of 80%. In summary, the available evidence is currently insufficient to determine the role of this variant in disease. Therefore, it has been classified as a Variant of Uncertain Significance.

AiLife Diagnostics
Classification: Uncertain significance. Last evaluated: 2020-05-08. Review status: criteria provided, single submitter. Criteria: ACMG Guidelines, 2015. Collection method: clinical testing. Allele origin: germline. Affected: yes. Observed: 1 variant allele. Not counted in ClinVar's aggregate classification.

NM_000022.4(ADA):c.984T>A (p.Asn328Lys)

Gene: ADA (adenosine deaminase; minus strand). Cytogenetic location: 20q13.12.
Variant type: single nucleotide variant.
Coding change: c.984T>A on transcript NM_000022.4 (MANE Select); coding-DNA position 984, T replaced by A.
Protein change: p.Asn328Lys; replaces asparagine 328 with lysine.
Molecular consequence: missense variant. On other transcripts: non-coding transcript variant (1).
Genome position (GRCh38, 1-based): chr20:44,620,393, A>T on the plus strand (T>A on the coding strand, the complement: ADA is on the minus strand). VCF-style: chr20-44620393-A-T. GRCh37 (hg19) VCF-style: chr20-43249034-A-T.
Other names: NM_000022.4(ADA):c.984T>A; p.Asn328Lys; c.579T>A, p.Asn193Lys (NM_001322050.2); c.912T>A, p.Asn304Lys (NM_001322051.2); short protein forms N193K, N304K, N328K.
Identifiers: ClinVar variation 1678200 (VCV001678200.3), dbSNP rs756329749, ClinGen allele CA9871435.